The following is an entry in ClinVar:

NM_001429.4(EP300):c.6798_6800del (p.Gln2268del)

Gene: EP300 (EP300 lysine acetyltransferase; plus strand). Cytogenetic location: 22q13.2.
Variant type: Deletion.
Coding change: c.6798_6800del on transcript NM_001429.4 (MANE Select); coding-DNA positions 6798 to 6800, 3 bases deleted (GCA; older notation c.6798_6800delGCA).
Protein change: p.Gln2268del; deletes glutamine 2268.
Molecular consequence: inframe deletion.
Genome position (GRCh38, 1-based): chr22:41,178,509-41,178,511, GCA deleted; deleting any 3 consecutive bases within chr22:41,178,507-41,178,511 gives the same sequence; the c. name uses the placement nearest the transcript's 3' end. VCF-style (leftmost placement, unchanged base first): chr22-41178506-TCAG-T. GRCh37 (hg19) VCF-style: chr22-41574510-TCAG-T.
Other names: c.6720_6722del, p.Gln2242del (NM_001362843.2); c.6798_6800delGCA (NM_001429.4); c.6798_6800del (NM_001429.3); short protein forms Q2268del, Q2242del.
Identifiers: ClinVar variation 341826 (VCV000341826.50), dbSNP rs533875300, ClinGen allele CA158506.
Genomic context (GRCh38, chr22:41,178,506, plus strand): 5'-TCCCCAGGCCTTGGGAGCAGAGGCAGGTGCCAGTCTACAGGCCTATCAGCAGCGACTCCT[TCAG>T]CAACAGATGGGGTCCCCTGTTCAGCCCAACCCCATGAGCCCCCAGCAGCATATGCTCCCA-3'

ClinVar aggregate classification (germline): Benign/Likely benign. Review status: criteria provided, multiple submitters, no conflicts (2 of 4 stars). 13 submissions from 13 submitters: Benign (3); Likely benign (5). 5 of the submissions do not count toward it. Last evaluated 2026-08-01.

Conditions:
Rubinstein-Taybi syndrome due to EP300 haploinsufficiency. Also called: RUBINSTEIN-TAYBI SYNDROME 2; EP300-Related Rubinstein-Taybi Syndrome. Identifiers: Orphanet 353284, Orphanet 783, MedGen C3150941, MONDO:0013364, OMIM 613684.
Rubinstein-Taybi syndrome due to CREBBP mutations (RSTS1). Also called: RUBINSTEIN-TAYBI SYNDROME 1, INCOMPLETE; Rubinstein-Taybi syndrome 1; CREBBP-Related Rubinstein-Taybi Syndrome; BROAD THUMBS AND GREAT TOES, CHARACTERISTIC FACIES, AND IMPAIRED INTELLECTUAL DEVELOPMENT; BROAD THUMB-HALLUX SYNDROME; RUBINSTEIN SYNDROME. Identifiers: Orphanet 353277, Orphanet 783, MedGen C4551859, MONDO:0008393, OMIM 180849.
EP300-related disorder. Also called: EP300-related condition; EP300-related disorders.

Submissions (13):

CeGaT Center for Human Genetics Tuebingen
Classification: Benign. Last evaluated: 2026-08-01. Review status: criteria provided, single submitter. Criteria: CeGaT Center For Human Genetics Tuebingen Variant Classification Criteria Version 2. Collection method: clinical testing. Allele origin: germline. Affected: yes. Observed: 16 variant alleles.
Comment: EP300: PM4:Supporting, BS1, BS2

Labcorp Genetics (formerly Invitae), Labcorp
Classification: Benign for Rubinstein-Taybi syndrome due to EP300 haploinsufficiency. Last evaluated: 2026-01-24. Review status: criteria provided, single submitter. Criteria: Invitae Variant Classification Sherloc (09022015). Collection method: clinical testing. Allele origin: germline.

Blueprint Genetics
Classification: Likely benign. Last evaluated: 2024-11-28. Review status: criteria provided, single submitter. Criteria: ACMG Guidelines, 2015. Collection method: clinical testing. Allele origin: germline.

Molecular Genetics, Royal Melbourne Hospital
Classification: Likely benign for Rubinstein-Taybi syndrome due to EP300 haploinsufficiency. Last evaluated: 2023-05-04. Review status: criteria provided, single submitter. Criteria: ACMG Guidelines, 2015. Collection method: clinical testing. Allele origin: germline. Affected: yes.
Comment: European Non-Finnish population allele frequency is 0.3034% (rs533875300, 430/128992 alleles, 0 homozygotes in gnomAD v2.1). Based on the classification scheme RMH Modified ACMG/AMP Guidelines v1.4.0, this variant is classified as LIKELY BENIGN. Following criteria are met: BS1

Mendelics
Classification: Likely benign for Rubinstein-Taybi syndrome due to CREBBP mutations. Last evaluated: 2019-05-28. Review status: criteria provided, single submitter. Criteria: Mendelics Assertion Criteria 2017. Collection method: clinical testing. Allele origin: unknown.

GeneDx
Classification: Benign. Last evaluated: 2018-11-06. Review status: criteria provided, single submitter. Criteria: GeneDx Variant Classification Process June 2021. Collection method: clinical testing. Allele origin: germline. Affected: yes.
Comment: This variant is associated with the following publications: (PMID: 24728327, 27416986, 26960974)

Center for Pediatric Genomic Medicine, Children's Mercy Hospital and Clinics
Classification: Likely benign. Last evaluated: 2017-08-24. Review status: criteria provided, single submitter. Criteria: ACMG Guidelines, 2015. Collection method: clinical testing. Allele origin: germline.

Eurofins Ntd Llc (ga)
Classification: Likely benign. Last evaluated: 2016-11-08. Review status: criteria provided, single submitter. Criteria: EGL Classification Definitions 2015. Collection method: clinical testing. Allele origin: germline. Observed: 1 variant allele, 1 heterozygote.

Wessex Regional Genetics Laboratory, Salisbury District Hospital
Classification: Pathogenic for Rubinstein-Taybi syndrome due to EP300 haploinsufficiency. Last evaluated: 2019-11-05. Review status: no assertion criteria provided. Criteria: ACMG Guidelines, 2015. Collection method: clinical testing. Allele origin: de novo. Inheritance: Autosomal dominant inheritance. Affected: yes. Not counted in ClinVar's aggregate classification.

PreventionGenetics, part of Exact Sciences
Classification: Likely benign for EP300-related condition. Last evaluated: 2019-05-15. Review status: no assertion criteria provided. Collection method: clinical testing. Allele origin: germline. Not counted in ClinVar's aggregate classification.
Comment: This variant is classified as likely benign based on ACMG/AMP sequence variant interpretation guidelines (Richards et al. 2015 PMID: 25741868, with internal and published modifications).

ITMI
No classification provided. Condition: AllHighlyPenetrant. Last evaluated: 2013-09-19. Review status: no classification provided. Collection method: reference population. Allele origin: germline. Not counted in ClinVar's aggregate classification.
Comment: Please see associated publication for description of ethnicities

Diagnostic Laboratory, Department of Genetics, University Medical Center Groningen
Classification: Likely benign. Review status: no assertion criteria provided. Collection method: clinical testing. Allele origin: germline. Affected: yes. Study: VKGL Data-share Consensus. Not counted in ClinVar's aggregate classification.

Laboratory of Diagnostic Genome Analysis, Leiden University Medical Center (LUMC)
Classification: Likely benign. Review status: no assertion criteria provided. Collection method: clinical testing. Allele origin: germline. Affected: yes. Study: VKGL Data-share Consensus. Not counted in ClinVar's aggregate classification.

Literature cited by the submitters: PubMed 24728327 (cited by ITMI).